The following is an entry in ClinVar:

NM_000069.3(CACNA1S):c.2553G>A (p.Met851Ile)

Gene: CACNA1S (calcium voltage-gated channel subunit alpha1 S; minus strand). Cytogenetic location: 1q32.1.
Variant type: single nucleotide variant.
Coding change: c.2553G>A on transcript NM_000069.3 (MANE Select); coding-DNA position 2553, G replaced by A.
Protein change: p.Met851Ile; replaces methionine 851 with isoleucine.
Molecular consequence: missense variant.
Genome position (GRCh38, 1-based): chr1:201,066,991, C>T on the plus strand (G>A on the coding strand, the complement: CACNA1S is on the minus strand). VCF-style: chr1-201066991-C-T. GRCh37 (hg19) VCF-style: chr1-201036119-C-T.
Other names: short protein forms M851I.
Identifiers: ClinVar variation 2690917 (VCV002690917.1), dbSNP rs2464524492, ClinGen allele CA344104407.

ClinVar aggregate classification (germline): Uncertain significance (1 of 4 stars; one submission).

Conditions:
Hypokalemic periodic paralysis, type 1. Also called: HypoPP; Hypokalemic Periodic Paralysis Type 1 (AD). Identifiers: Orphanet 681, MedGen C3714580, MONDO:0042979, OMIM 170400.

Submission:

Johns Hopkins Genomics, Johns Hopkins University
Classification: Uncertain significance for Hypokalemic periodic paralysis, type 1. Last evaluated: 2023-09-12. Review status: criteria provided, single submitter. Criteria: ACMG Guidelines, 2015. Collection method: clinical testing. Allele origin: germline.
Comment: This CACNA1S missense variant is absent from a large population dataset, and has not been reported in ClinVar nor the literature, to our knowledge. Of two bioinformatics tools queried, one predicts that the substitution would be damaging, while the other predicts that it would be tolerated, and the methionine residue at this position is evolutionarily conserved across all except one of the species assessed. We consider the clinical significance of c.2553G>A; p.Met851Ile in CACNA1S to be uncertain at this time.

Literature cited by the submitters: PubMed 30319441.